The following is an entry in ClinVar:

NM_001256789.3(CACNA1F):c.1205G>T (p.Arg402Leu)

Gene: CACNA1F (calcium voltage-gated channel subunit alpha1 F; minus strand). Cytogenetic location: Xp11.23.
Variant type: single nucleotide variant.
Coding change: c.1205G>T on transcript NM_001256789.3 (MANE Select); coding-DNA position 1205, G replaced by T.
Protein change: p.Arg402Leu; replaces arginine 402 with leucine.
Molecular consequence: missense variant.
Genome position (GRCh38, 1-based): chrX:49,227,041, C>A on the plus strand (G>T on the coding strand, the complement: CACNA1F is on the minus strand). VCF-style: chrX-49227041-C-A. GRCh37 (hg19) VCF-style: chrX-49083503-C-A.
Other names: c.1010G>T, p.Arg337Leu (NM_001256790.3); c.1205G>T, p.Arg402Leu (NM_005183.4); short protein forms R337L, R402L.
Identifiers: ClinVar variation 3675613 (VCV003675613.2).
Genomic context (GRCh38, chrX:49,227,041, plus strand): 5'-TCGGCGGAGGGGTCCTCCATGTCCAGCTCTTCGGCTTGAGTGATCCAGTCCAGGTAGCCC[C>A]GCAGGTCTTCCTCCATCTGCTGCTTCTCCCGCTGCTTCTGGAAGTCCCCGCGAGCTTTCG-3'
Protein context (NP_001243718.1, residues 392-412): REKQQMEEDL[Arg402Leu]GYLDWITQAE

ClinVar aggregate classification (germline): Uncertain significance (1 of 4 stars; one submission).

gnomAD v4.1: 10 of 1,207,893 alleles (0.00083%); highest among the groups gnomAD compares: African/African-American, 0.012%; no homozygotes.

Submission:

Labcorp Genetics (formerly Invitae), Labcorp
Classification: Uncertain significance. Last evaluated: 2024-02-09. Review status: criteria provided, single submitter. Criteria: Invitae Variant Classification Sherloc (09022015). Collection method: clinical testing. Allele origin: germline.
Comment: This sequence change replaces arginine, which is basic and polar, with leucine, which is neutral and non-polar, at codon 402 of the CACNA1F protein (p.Arg402Leu). The frequency data for this variant in the population databases is considered unreliable, as metrics indicate poor data quality at this position in the gnomAD database. This variant has not been reported in the literature in individuals affected with CACNA1F-related conditions. Advanced modeling of protein sequence and biophysical properties (such as structural, functional, and spatial information, amino acid conservation, physicochemical variation, residue mobility, and thermodynamic stability) performed at Invitae indicates that this missense variant is not expected to disrupt CACNA1F protein function with a negative predictive value of 80%. In summary, the available evidence is currently insufficient to determine the role of this variant in disease. Therefore, it has been classified as a Variant of Uncertain Significance.